The following is an entry in ClinVar:

NM_003442.6(ZNF143):c.290-31_290-30del

Gene: ZNF143 (zinc finger protein 143; plus strand). Cytogenetic location: 11p15.4.
Variant type: Deletion.
Coding change: c.290-31_290-30del on transcript NM_003442.6 (MANE Select); 31 bases into the intron before coding-DNA position 290 through 30 bases into the intron before coding-DNA position 290, 2 bases deleted (AT; older notation c.290-31_290-30delAT).
Molecular consequence: intron variant.
Genome position (GRCh38, 1-based): chr11:9,474,519-9,474,520, AT deleted. VCF-style (leftmost placement, unchanged base first): chr11-9474518-CAT-C. GRCh37 (hg19) VCF-style: chr11-9496065-CAT-C.
Other names: p.?; c.290-34_290-33del (NM_001282656.2); c.197-31_197-30del (NM_001282657.2).
Identifiers: ClinVar variation 4683593 (VCV004683593.1).

ClinVar aggregate classification (germline): Likely benign (1 of 4 stars; one submission).

Submission:

Mayo Clinic Laboratories, Mayo Clinic
Classification: Likely benign. Last evaluated: 2025-06-03. Review status: criteria provided, single submitter. Criteria: ACMG Guidelines, 2015. Collection method: clinical testing. Allele origin: germline. Observed: 1 variant allele.
Comment: BP7, PM2_supporting